The following is an entry in ClinVar:

ClinVar aggregate classification (germline): Benign/Likely benign. Review status: criteria provided, multiple submitters, no conflicts (2 of 4 stars). 3 submissions from 3 submitters: Benign (1); Likely benign (2). Last evaluated 2025-03-19.

Conditions:
Hereditary cancer-predisposing syndrome. Also called: Hereditary neoplastic syndrome; Tumor predisposition; Neoplastic Syndromes, Hereditary; Hereditary Cancer Syndrome. Identifiers: Orphanet 140162, MedGen C0027672, MeSH D009386, MONDO:0015356.
Familial thoracic aortic aneurysm and aortic dissection (TAAD). Also called: Thoracic aortic aneurysms and dissections. Identifiers: Orphanet 91387, MedGen C4707243, MONDO:0019625.
Juvenile polyposis syndrome (JPS). Identifiers: Orphanet 2929, MedGen C0345893, MONDO:0017380, OMIM 174900.
Juvenile polyposis/hereditary hemorrhagic telangiectasia syndrome (JPHT). Also called: Juvenile Polyposis Syndrome / Hereditary Hemorrhagic Telangiectasia (JPS/HHT); JP/HHT SYNDROME; JUVENILE POLYPOSIS WITH HEREDITARY HEMORRHAGIC TELANGIECTASIA; POLYPOSIS, GENERALIZED JUVENILE, WITH PULMONARY ARTERIOVENOUS MALFORMATION; TELANGIECTASIA, HEREDITARY HEMORRHAGIC, WITH JUVENILE POLYPOSIS COLI. Identifiers: Orphanet 2929, MedGen C1832942, MONDO:0008278, OMIM 175050.

Submissions (3):

Myriad Genetics, Inc.
Classification: Benign for Juvenile polyposis/hereditary hemorrhagic telangiectasia syndrome. Last evaluated: 2025-03-19. Review status: criteria provided, single submitter. Criteria: Myriad Autosomal Dominant, Autosomal Recessive and X-Linked Classification Criteria (2023). Collection method: clinical testing. Allele origin: unknown.
Comment: This variant is considered benign. This variant is a silent/synonymous amino acid change and it is not expected to impact splicing.

Labcorp Genetics (formerly Invitae), Labcorp
Classification: Likely benign for Juvenile polyposis syndrome. Last evaluated: 2024-07-15. Review status: criteria provided, single submitter. Criteria: Invitae Variant Classification Sherloc (09022015). Collection method: clinical testing. Allele origin: germline.

Ambry Genetics
Classification: Likely benign for Hereditary cancer-predisposing syndrome; Familial thoracic aortic aneurysm and aortic dissection. Last evaluated: 2023-11-02. Review status: criteria provided, single submitter. Criteria: Ambry Variant Classification Scheme 2023. Collection method: clinical testing. Allele origin: germline.

NM_005359.6(SMAD4):c.615G>A (p.Glu205=)

Gene: SMAD4 (SMAD family member 4; plus strand). Cytogenetic location: 18q21.2.
Variant type: single nucleotide variant.
Coding change: c.615G>A on transcript NM_005359.6 (MANE Select); coding-DNA position 615, G replaced by A.
Protein change: p.Glu205=; no amino-acid change (glutamic acid 205 retained).
Molecular consequence: synonymous variant.
Genome position (GRCh38, 1-based): chr18:51,054,941, G>A. VCF-style: chr18-51054941-G-A. GRCh37 (hg19) VCF-style: chr18-48581311-G-A.
Identifiers: ClinVar variation 529965 (VCV000529965.12), dbSNP rs1555685667, ClinGen allele CA503873771.
Genomic context (GRCh38, chr18:51,054,941, plus strand): 5'-ACCAAGTAATCGTGCATCGACAGAGACATACAGCACCCCAGCTCTGTTAGCCCCATCTGA[G>A]TCTAATGCTACCAGCACTGCCAACTTTCCCAACATTCCTGTGGCTTCCACAAGTGAGTTC-3'
Protein context (NP_005350.1, residues 195-215): YSTPALLAPS[Glu205=]SNATSTANFP